The following is an entry in ClinVar:

NM_005121.3(MED13):c.2809T>G (p.Cys937Gly)

Gene: MED13 (mediator complex subunit 13; minus strand). Cytogenetic location: 17q23.2.
Variant type: single nucleotide variant.
Coding change: c.2809T>G on transcript NM_005121.3 (MANE Select); coding-DNA position 2809, T replaced by G.
Protein change: p.Cys937Gly; replaces cysteine 937 with glycine.
Molecular consequence: missense variant.
Genome position (GRCh38, 1-based): chr17:61,984,250, A>C on the plus strand (T>G on the coding strand, the complement: MED13 is on the minus strand). VCF-style: chr17-61984250-A-C. GRCh37 (hg19) VCF-style: chr17-60061611-A-C.
Other names: short protein forms C937G.
Identifiers: ClinVar variation 3774877 (VCV003774877.3).

ClinVar aggregate classification (germline): Uncertain significance (1 of 4 stars; one submission).

Submission:

GeneDx
Classification: Uncertain significance. Last evaluated: 2026-10-21. Review status: criteria provided, single submitter. Criteria: GeneDx Variant Classification Process June 2021. Collection method: clinical testing. Allele origin: germline.
Comment: Not observed at significant frequency in large population cohorts (gnomAD); In silico analysis supports that this missense variant has a deleterious effect on protein structure/function; Has not been previously published as pathogenic or benign to our knowledge